The following is an entry in ClinVar:

ClinVar aggregate classification (germline): VUS-high (1 of 4 stars; one submission).

Conditions:
Cataract 4 multiple types. Also called: CATARACT 4, MULTIPLE TYPES, WITH OR WITHOUT MICROCORNEA; CATARACT 4 WITH MICROCORNEA; CATARACT 4, PUNCTATE; CATARACT 4, CRYSTALLINE; CATARACT 4, CENTRAL NUCLEAR; CATARACT 4, NONNUCLEAR POLYMORPHIC CONGENITAL. Identifiers: Orphanet 1377, MedGen C3540850, MONDO:0007281, OMIM 115700.

gnomAD v4.1: 3 of 1,614,212 alleles (0.00019%); highest among the groups gnomAD compares: East Asian, 0.0022%; no homozygotes.

Submission:

Ophthalmic Genetics, Al-Shifa Trust Eye Hospital Rawalpindi
Classification: VUS-high for Cataract 4 multiple types. Last evaluated: 2026-08-28. Review status: criteria provided, single submitter. Criteria: Submitter's publication. Collection method: research. Allele origin: de novo. Inheritance: Autosomal dominant inheritance. Affected: yes.
Comment: The NM_001255.3(CDC20):c.521G>A (p.Arg174His) variant is a missense change at a highly conserved nucleotide position, with a PhyloP 100-way vertebrate conservation score of 8.13. The variant appears in gnomAD at a cumulative frequency of 0.00000205 across 1,461,878 chromosomes with no homozygotes; the grpmax filtering allele frequency is 0.0000252 at the 95% confidence interval, consistent with rarity in the general population and supporting PM2 as the sole criterion invoked. SpliceAI finds no splicing impact. No in silico pathogenicity predictor results are available to invoke PP3, and no prior ClinVar submissions exist for this specific variant. UniProt lists p.Arg174His as Uncertain Significance, and the variant appears as a COSMIC curated somatic entry, reflecting its detection in tumour tissue but providing no independent evidence of germline pathogenicity. Two pathogenic points, nothing benign. Classification: Uncertain Significance.

NM_001255.3(CDC20):c.521G>A (p.Arg174His)

Gene: CDC20 (cell division cycle 20; plus strand). Cytogenetic location: 1p34.2.
Variant type: single nucleotide variant.
Coding change: c.521G>A on transcript NM_001255.3 (MANE Select); coding-DNA position 521, G replaced by A.
Protein change: p.Arg174His; replaces arginine 174 with histidine.
Molecular consequence: missense variant.
Genome position (GRCh38, 1-based): chr1:43,360,062, G>A. VCF-style: chr1-43360062-G-A. GRCh37 (hg19) VCF-style: chr1-43825733-G-A.
Other names: short protein forms R174H.
Identifiers: ClinVar variation 4975005 (VCV004975005.1).